The following is an entry in ClinVar:

NM_016156.6(MTMR2):c.1480-220G>A

Gene: MTMR2 (myotubularin related protein 2; minus strand). Cytogenetic location: 11q21.
Variant type: single nucleotide variant.
Coding change: c.1480-220G>A on transcript NM_016156.6 (MANE Select); 220 bases into the intron before coding-DNA position 1480, G replaced by A.
Molecular consequence: intron variant.
Genome position (GRCh38, 1-based): chr11:95,838,427, C>T on the plus strand (G>A on the coding strand, the complement: MTMR2 is on the minus strand). VCF-style: chr11-95838427-C-T. GRCh37 (hg19) VCF-style: chr11-95571591-C-T.
Other names: c.1264-220G>A (NM_201281.3, NM_201278.3, NM_001243571.2).
Identifiers: ClinVar variation 672978 (VCV000672978.1), dbSNP rs117909641, ClinGen allele CA13573288.
Genomic context (GRCh38, chr11:95,838,427, plus strand): 5'-TCAAAAATCATGTTATCACTTTTCTGATCATGATGTTTCTGTATCTGCTATATCTGCTAA[C>T]CCTAAATTTGCAGGCTGAATTTTGACTTAGGCAATTCTGGCAACTCTAGGCATTCTCTGC-3'

ClinVar aggregate classification (germline): Likely benign (1 of 4 stars; one submission).

Allele frequency attached by ClinVar (database versions not stated): TOPMed 0.01401; gnomAD 0.01522 and 0.01696; 1000 Genomes Project 30x 0.01889; 1000 Genomes Project 0.02017.
gnomAD v4.1: 2,566 of 152,098 alleles (1.7%); highest among the groups gnomAD compares: South Asian, 6.4%; 38 homozygotes.

Submission:

GeneDx
Classification: Likely benign. Last evaluated: 2018-06-16. Review status: criteria provided, single submitter. Criteria: GeneDx Variant Classification (06012015). Collection method: clinical testing. Allele origin: germline. Affected: yes.
Comment: This variant is considered likely benign or benign based on one or more of the following criteria: it is a conservative change, it occurs at a poorly conserved position in the protein, it is predicted to be benign by multiple in silico algorithms, and/or has population frequency not consistent with disease.